The following is an entry in ClinVar:

NM_006509.4(RELB):c.859G>A (p.Val287Met)

Gene: RELB (RELB proto-oncogene, NF-kB subunit; plus strand). Cytogenetic location: 19q13.32.
Variant type: single nucleotide variant.
Coding change: c.859G>A on transcript NM_006509.4 (MANE Select); coding-DNA position 859, G replaced by A.
Protein change: p.Val287Met; replaces valine 287 with methionine.
Molecular consequence: missense variant.
Genome position (GRCh38, 1-based): chr19:45,025,710, G>A. VCF-style: chr19-45025710-G-A. GRCh37 (hg19) VCF-style: chr19-45528968-G-A.
Other names: c.850G>A, p.Val284Met (NM_001411087.1); short protein forms V287M, V284M.
Identifiers: ClinVar variation 2612129 (VCV002612129.3), dbSNP rs764021001, ClinGen allele CA9507669.

ClinVar aggregate classification (germline): Uncertain significance. Review status: criteria provided, multiple submitters, no conflicts (2 of 4 stars). 2 submissions from 2 submitters: Uncertain significance (2). Last evaluated 2025-10-18.

Allele frequency attached by ClinVar (database versions not stated): gnomAD exomes below 0.00001; ExAC 0.00001.
gnomAD v4.1: 2 of 1,614,026 alleles (0.00012%); highest among the groups gnomAD compares: Non-Finnish European, 0.00017%; no homozygotes.

Submissions (2):

Labcorp Genetics (formerly Invitae), Labcorp
Classification: Uncertain significance. Last evaluated: 2025-10-18. Review status: criteria provided, single submitter. Criteria: Invitae Variant Classification Sherloc (09022015). Collection method: clinical testing. Allele origin: germline.
Comment: This sequence change replaces valine, which is neutral and non-polar, with methionine, which is neutral and non-polar, at codon 287 of the RELB protein (p.Val287Met). This variant is present in population databases (rs764021001, gnomAD 0.0009%). This variant has not been reported in the literature in individuals affected with RELB-related conditions. ClinVar contains an entry for this variant (Variation ID: 2612129). An algorithm developed to predict the effect of missense changes on protein structure and function (PolyPhen-2) suggests that this variant is likely to be disruptive. In summary, the available evidence is currently insufficient to determine the role of this variant in disease. Therefore, it has been classified as a Variant of Uncertain Significance.

Ambry Genetics
Classification: Uncertain significance. Last evaluated: 2023-07-14. Review status: criteria provided, single submitter. Criteria: Ambry Variant Classification Scheme 2023. Collection method: clinical testing. Allele origin: germline.